The following is an entry in ClinVar:

NM_005732.4(RAD50):c.1933C>A (p.Leu645Ile)

Gene: RAD50 (RAD50 double strand break repair protein; plus strand). Cytogenetic location: 5q31.1.
Variant type: single nucleotide variant.
Coding change: c.1933C>A on transcript NM_005732.4 (MANE Select); coding-DNA position 1933, C replaced by A.
Protein change: p.Leu645Ile; replaces leucine 645 with isoleucine.
Molecular consequence: missense variant.
Genome position (GRCh38, 1-based): chr5:132,595,008, C>A. VCF-style: chr5-132595008-C-A. GRCh37 (hg19) VCF-style: chr5-131930700-C-A.
Other names: short protein forms L645I.
Identifiers: ClinVar variation 860112 (VCV000860112.10), dbSNP rs1750764985, ClinGen allele CA360948354.

ClinVar aggregate classification (germline): Uncertain significance (1 of 4 stars; one submission).

Conditions:
Hereditary cancer-predisposing syndrome. Also called: Tumor predisposition; Hereditary neoplastic syndrome; Neoplastic Syndromes, Hereditary; Hereditary Cancer Syndrome. Identifiers: Orphanet 140162, MedGen C0027672, MeSH D009386, MONDO:0015356.

Submission:

Labcorp Genetics (formerly Invitae), Labcorp
Classification: Uncertain significance for Hereditary cancer-predisposing syndrome. Last evaluated: 2023-08-18. Review status: criteria provided, single submitter. Criteria: Invitae Variant Classification Sherloc (09022015). Collection method: clinical testing. Allele origin: germline.
Comment: In summary, the available evidence is currently insufficient to determine the role of this variant in disease. Therefore, it has been classified as a Variant of Uncertain Significance. Advanced modeling of protein sequence and biophysical properties (such as structural, functional, and spatial information, amino acid conservation, physicochemical variation, residue mobility, and thermodynamic stability) performed at Invitae indicates that this missense variant is not expected to disrupt RAD50 protein function. ClinVar contains an entry for this variant (Variation ID: 860112). This variant has not been reported in the literature in individuals affected with RAD50-related conditions. This variant is not present in population databases (gnomAD no frequency). This sequence change replaces leucine, which is neutral and non-polar, with isoleucine, which is neutral and non-polar, at codon 645 of the RAD50 protein (p.Leu645Ile).